The following is an entry in ClinVar:

ClinVar aggregate classification (germline): Uncertain significance (1 of 4 stars; one submission).

Conditions:
Hereditary cancer-predisposing syndrome. Also called: Hereditary Cancer Syndrome; Hereditary neoplastic syndrome; Neoplastic Syndromes, Hereditary; Tumor predisposition. Identifiers: Orphanet 140162, MedGen C0027672, MeSH D009386, MONDO:0015356.

Submission:

Ambry Genetics
Classification: Uncertain significance for Hereditary cancer-predisposing syndrome. Last evaluated: 2022-02-17. Review status: criteria provided, single submitter. Criteria: Ambry Variant Classification Scheme 2023. Collection method: clinical testing. Allele origin: germline.
Comment: The p.E142K variant (also known as c.424G>A), located in coding exon 3 of the KIT gene, results from a G to A substitution at nucleotide position 424. The glutamic acid at codon 142 is replaced by lysine, an amino acid with similar properties. This amino acid position is conserved. In addition, this alteration is predicted to be tolerated by in silico analysis. Since supporting evidence is limited at this time, the clinical significance of this alteration remains unclear.

NM_000222.3(KIT):c.424G>A (p.Glu142Lys)

Gene: KIT (KIT proto-oncogene, receptor tyrosine kinase; plus strand). Cytogenetic location: 4q12.
Variant type: single nucleotide variant.
Coding change: c.424G>A on transcript NM_000222.3 (MANE Select); coding-DNA position 424, G replaced by A.
Protein change: p.Glu142Lys; replaces glutamic acid 142 with lysine.
Molecular consequence: missense variant.
Genome position (GRCh38, 1-based): chr4:54,698,370, G>A. VCF-style: chr4-54698370-G-A. GRCh37 (hg19) VCF-style: chr4-55564536-G-A.
Other names: c.424G>A, p.Glu142Lys (NM_001093772.2, NM_001385284.1, NM_001385285.1 and 4 more transcripts); short protein forms E142K.
Identifiers: ClinVar variation 1739073 (VCV001739073.2), dbSNP rs2109672623, ClinGen allele CA356897554.